The following is an entry in ClinVar:

ClinVar aggregate classification (germline): Benign/Likely benign. Review status: criteria provided, multiple submitters, no conflicts (2 of 4 stars). 4 submissions from 4 submitters: Benign (1); Likely benign (3). Last evaluated 2026-04-25.

Conditions:
Hereditary cancer-predisposing syndrome. Also called: Hereditary Cancer Syndrome; Neoplastic Syndromes, Hereditary; Tumor predisposition; Hereditary neoplastic syndrome. Identifiers: Orphanet 140162, MedGen C0027672, MeSH D009386, MONDO:0015356.
Hereditary nonpolyposis colorectal neoplasms. Identifiers: MedGen C0009405, MeSH D003123.
Lynch syndrome 5 (LYNCH5). Also called: Hereditary non-polyposis colorectal cancer, type 5; Colorectal cancer, hereditary nonpolyposis, type 5. Identifiers: Orphanet 144, MedGen C1833477, MONDO:0013710, OMIM 614350. Disease mechanism: loss of function.

Submissions (4):

Ambry Genetics
Classification: Likely benign for Hereditary cancer-predisposing syndrome. Last evaluated: 2026-04-25. Review status: criteria provided, single submitter. Criteria: Ambry Variant Classification Scheme 2023. Collection method: clinical testing. Allele origin: germline.

Myriad Genetics, Inc.
Classification: Benign for Lynch syndrome 5. Last evaluated: 2024-12-20. Review status: criteria provided, single submitter. Criteria: Myriad Autosomal Dominant, Autosomal Recessive and X-Linked Classification Criteria (2023). Collection method: clinical testing. Allele origin: unknown.
Comment: This variant is considered benign. This variant is a silent/synonymous amino acid change and it is not expected to impact splicing.

Labcorp Genetics (formerly Invitae), Labcorp
Classification: Likely benign for Hereditary nonpolyposis colorectal neoplasms. Last evaluated: 2022-02-11. Review status: criteria provided, single submitter. Criteria: Invitae Variant Classification Sherloc (09022015). Collection method: clinical testing. Allele origin: germline.

Color Diagnostics, LLC DBA Color Health
Classification: Likely benign for Hereditary cancer-predisposing syndrome. Last evaluated: 2018-12-04. Review status: criteria provided, single submitter. Criteria: ACMG Guidelines, 2015. Collection method: clinical testing. Allele origin: germline.

NM_000179.3(MSH6):c.888T>A (p.Val296=)

Gene: MSH6 (mutS homolog 6; plus strand). Cytogenetic location: 2p16.3.
Variant type: single nucleotide variant.
Coding change: c.888T>A on transcript NM_000179.3 (MANE Select); coding-DNA position 888, T replaced by A.
Protein change: p.Val296=; no amino-acid change (valine 296 retained).
Molecular consequence: synonymous variant. On other transcripts: 5 prime UTR variant (2).
Genome position (GRCh38, 1-based): chr2:47,798,871, T>A. VCF-style: chr2-47798871-T-A. GRCh37 (hg19) VCF-style: chr2-48026010-T-A.
Other names: c.498T>A, p.Val166= (NM_001281492.2); c.-19T>A (NM_001281493.2, NM_001281494.2).
Identifiers: ClinVar variation 923540 (VCV000923540.13), dbSNP rs1669266771, ClinGen allele CA426120964.